The following is an entry in ClinVar:

NM_020166.5(MCCC1):c.295G>C (p.Gly99Arg)

Gene: MCCC1 (methylcrotonyl-CoA carboxylase subunit 1; minus strand). Cytogenetic location: 3q27.1.
Variant type: single nucleotide variant.
Coding change: c.295G>C on transcript NM_020166.5 (MANE Select); coding-DNA position 295, G replaced by C.
Protein change: p.Gly99Arg; replaces glycine 99 with arginine.
Molecular consequence: missense variant. On other transcripts: synonymous variant (1), 5 prime UTR variant (1), non-coding transcript variant (1).
Genome position (GRCh38, 1-based): chr3:183,086,767, C>G on the plus strand (G>C on the coding strand, the complement: MCCC1 is on the minus strand). VCF-style: chr3-183086767-C-G. GRCh37 (hg19) VCF-style: chr3-182804555-C-G.
Other names: c.66G>C, p.Ser22= (NM_001293273.2); c.-33G>C (NM_001363880.1); short protein forms G99R.
Identifiers: ClinVar variation 566066 (VCV000566066.8), dbSNP rs375244642, ClinGen allele CA355319565.

ClinVar aggregate classification (germline): Uncertain significance (1 of 4 stars; one submission).

Conditions:
3-methylcrotonyl-CoA carboxylase 1 deficiency (MCC1D). Also called: MCCD TYPE 1; METHYLCROTONYLGLYCINURIA TYPE I; MCC 1 deficiency; 3 Alpha methylcrotonylglycinuria 1. Identifiers: Orphanet 6, MedGen CN028786, MONDO:0008861, OMIM 210200.

Allele frequency attached by ClinVar (database versions not stated): TOPMed 0.00001.
gnomAD v4.1: 6 of 1,613,920 alleles (0.00037%); highest among the groups gnomAD compares: African/African-American, 0.0053%; no homozygotes.

Submission:

Labcorp Genetics (formerly Invitae), Labcorp
Classification: Uncertain significance for 3-methylcrotonyl-CoA carboxylase 1 deficiency. Last evaluated: 2018-06-06. Review status: criteria provided, single submitter. Criteria: Invitae Variant Classification Sherloc (09022015). Collection method: clinical testing. Allele origin: germline.
Comment: In summary, the available evidence is currently insufficient to determine the role of this variant in disease. Therefore, it has been classified as a Variant of Uncertain Significance. Algorithms developed to predict the effect of missense changes on protein structure and function are either unavailable or do not agree on the potential impact of this missense change (SIFT: "Deleterious"; PolyPhen-2: "Probably Damaging"; Align-GVGD: "Class C0"). This sequence change replaces glycine with arginine at codon 99 of the MCCC1 protein (p.Gly99Arg). The glycine residue is highly conserved and there is a moderate physicochemical difference between glycine and arginine. This variant is not present in population databases (ExAC no frequency). This variant has not been reported in the literature in individuals with MCCC1-related disease.